The following is an entry in ClinVar:

NM_001458.5(FLNC):c.1159C>T (p.Pro387Ser)

Gene: FLNC (filamin C; plus strand). Cytogenetic location: 7q32.1.
Variant type: single nucleotide variant.
Coding change: c.1159C>T on transcript NM_001458.5 (MANE Select); coding-DNA position 1159, C replaced by T.
Protein change: p.Pro387Ser; replaces proline 387 with serine.
Molecular consequence: missense variant.
Genome position (GRCh38, 1-based): chr7:128,838,378, C>T. VCF-style: chr7-128838378-C-T. GRCh37 (hg19) VCF-style: chr7-128478432-C-T.
Other names: c.1159C>T, p.Pro387Ser (NM_001127487.2); short protein forms P387S.
Identifiers: ClinVar variation 2003152 (VCV002003152.4), dbSNP rs2536621144, ClinGen allele CA369223819.
Genomic context (GRCh38, chr7:128,838,378, plus strand): 5'-AACGTGGGCATGGCCCTGGGAGATGCCAACAAGGTGTCAGCCCGTGGCCCTGGCCTGGAA[C>T]CTGTGGGCAATGTGGCCAACAAACCCACCTACTTTGACATCTACACTGCGGGTAGGACGG-3'
Protein context (NP_001449.3, residues 377-397): KVSARGPGLE[Pro387Ser]VGNVANKPTY

ClinVar aggregate classification (germline): Uncertain significance (1 of 4 stars; one submission).

Conditions:
Myofibrillar myopathy 5. Also called: Filaminopathy (type); FILAMINOPATHY, AUTOSOMAL DOMINANT. Identifiers: Orphanet 171445, MedGen C1836050, MONDO:0012289, OMIM 609524.
Distal myopathy with posterior leg and anterior hand involvement. Also called: WILLIAMS DISTAL MYOPATHY. Identifiers: Orphanet 63273, MedGen C3279722, MONDO:0013550, OMIM 614065.
Hypertrophic cardiomyopathy 26. Also called: Cardiomyopathy, familial hypertrophic, 26. Identifiers: Orphanet 75249, MedGen C4310749, MONDO:0014883, OMIM 617047.

Allele frequency attached by ClinVar (database versions not stated): gnomAD exomes below 0.00001.
gnomAD v4.1: 1 of 1,614,056 alleles (0.000062%); highest among the groups gnomAD compares: Non-Finnish European, 0.000085%; no homozygotes.

Submission:

Labcorp Genetics (formerly Invitae), Labcorp
Classification: Uncertain significance for Distal myopathy with posterior leg and anterior hand involvement; Myofibrillar myopathy 5; Hypertrophic cardiomyopathy 26. Last evaluated: 2022-06-07. Review status: criteria provided, single submitter. Criteria: Invitae Variant Classification Sherloc (09022015). Collection method: clinical testing. Allele origin: germline.
Comment: In summary, the available evidence is currently insufficient to determine the role of this variant in disease. Therefore, it has been classified as a Variant of Uncertain Significance. Algorithms developed to predict the effect of missense changes on protein structure and function are either unavailable or do not agree on the potential impact of this missense change (SIFT: "Deleterious"; PolyPhen-2: "Benign"; Align-GVGD: "Class C0"). This variant has not been reported in the literature in individuals affected with FLNC-related conditions. This variant is not present in population databases (gnomAD no frequency). This sequence change replaces proline, which is neutral and non-polar, with serine, which is neutral and polar, at codon 387 of the FLNC protein (p.Pro387Ser).